The following is an entry in ClinVar:

NM_000051.4(ATM):c.3285-31TTTG[5]

Gene: ATM (ATM serine/threonine kinase; plus strand). Cytogenetic location: 11q22.3.
Variant type: Microsatellite.
Coding change: c.3285-31TTTG[5] on transcript NM_000051.4 (MANE Select); five copies in a row of the 4-base unit TTTG starting at c.3285-31; the reference has four copies in a row; one copy, 4 bases duplicated.
Molecular consequence: intron variant.
Genome position (GRCh38, 1-based): chr11:108,279,472-108,279,475, TTTG duplicated; duplicating any 4 consecutive bases within chr11:108,279,460-108,279,475 gives the same sequence; the position shown is the placement nearest the transcript's 3' end. VCF-style (leftmost placement, unchanged base first): chr11-108279459-T-TTTTG. GRCh37 (hg19) VCF-style: chr11-108150186-T-TTTTG.
Other names: c.3285-31TTTG[5] (NM_001351834.2); c.3285-19_3285-16dupTTTG (NM_000051.3).
Identifiers: ClinVar variation 418799 (VCV000418799.2), dbSNP rs750490644, ClinGen allele CA6265252.

ClinVar aggregate classification (germline): Benign/Likely benign. Review status: criteria provided, multiple submitters, no conflicts (2 of 4 stars). 2 submissions from 2 submitters: Benign (1); Likely benign (1). Last evaluated 2024-05-14.

Conditions:
Familial cancer of breast. Also called: Hereditary breast cancer; BREAST CANCER, FAMILIAL; hereditary breast carcinoma. Identifiers: Orphanet 227535, MedGen C0346153, MONDO:0016419, OMIM 114480. Disease mechanism: loss of function.

Submissions (2):

Myriad Genetics, Inc.
Classification: Benign for Familial cancer of breast. Last evaluated: 2024-05-14. Review status: criteria provided, single submitter. Criteria: Myriad Autosomal Dominant, Autosomal Recessive and X-Linked Classification Criteria (2023). Collection method: clinical testing. Allele origin: unknown.
Comment: This variant is considered benign. This variant is intronic and is not expected to impact mRNA splicing.

GeneDx
Classification: Likely benign. Last evaluated: 2016-08-03. Review status: criteria provided, single submitter. Criteria: GeneDx Variant Classification (06012015). Collection method: clinical testing. Allele origin: germline. Affected: yes.
Comment: This variant is considered likely benign or benign based on one or more of the following criteria: it is a conservative change, it occurs at a poorly conserved position in the protein, it is predicted to be benign by multiple in silico algorithms, and/or has population frequency not consistent with disease.